The following is an entry in ClinVar:

ClinVar aggregate classification (germline): Uncertain significance. Review status: criteria provided, multiple submitters, no conflicts (2 of 4 stars). 2 submissions from 2 submitters: Uncertain significance (2). Last evaluated 2025-02-27.

Conditions:
Cornelia de Lange syndrome 1 (CDLS1). Also called: Brachmann de Lange syndrome; NIPBL-Related Cornelia de Lange Syndrome; TYPUS DEGENERATIVUS AMSTELODAMENSIS. Identifiers: Orphanet 199, MedGen C4551851, MONDO:0007387, OMIM 122470.

Allele frequency attached by ClinVar (database versions not stated): gnomAD exomes below 0.00001 and 0.00001; ExAC 0.00001; gnomAD 0.00001; TOPMed 0.00001.
gnomAD v4.1: 23 of 1,613,908 alleles (0.0014%); highest among the groups gnomAD compares: Non-Finnish European, 0.0017%; no homozygotes.

Submissions (2):

Labcorp Genetics (formerly Invitae), Labcorp
Classification: Uncertain significance for Cornelia de Lange syndrome 1. Last evaluated: 2025-02-27. Review status: criteria provided, single submitter. Criteria: Invitae Variant Classification Sherloc (09022015). Collection method: clinical testing. Allele origin: germline.
Comment: This sequence change replaces asparagine, which is neutral and polar, with aspartic acid, which is acidic and polar, at codon 382 of the NIPBL protein (p.Asn382Asp). This variant is present in population databases (rs778853918, gnomAD 0.0009%). This variant has not been reported in the literature in individuals affected with NIPBL-related conditions. ClinVar contains an entry for this variant (Variation ID: 1224411). Invitae Evidence Modeling of protein sequence and biophysical properties (such as structural, functional, and spatial information, amino acid conservation, physicochemical variation, residue mobility, and thermodynamic stability) indicates that this missense variant is not expected to disrupt NIPBL protein function with a negative predictive value of 95%. In summary, the available evidence is currently insufficient to determine the role of this variant in disease. Therefore, it has been classified as a Variant of Uncertain Significance.

Blueprint Genetics
Classification: Uncertain significance. Last evaluated: 2024-01-18. Review status: criteria provided, single submitter. Criteria: ACMG Guidelines, 2015. Collection method: clinical testing. Allele origin: germline.

NM_133433.4(NIPBL):c.1144A>G (p.Asn382Asp)

Gene: NIPBL (NIPBL cohesin loading factor; plus strand). Cytogenetic location: 5p13.2.
Variant type: single nucleotide variant.
Coding change: c.1144A>G on transcript NM_133433.4 (MANE Select); coding-DNA position 1144, A replaced by G.
Protein change: p.Asn382Asp; replaces asparagine 382 with aspartic acid.
Molecular consequence: missense variant.
Genome position (GRCh38, 1-based): chr5:36,976,051, A>G. VCF-style: chr5-36976051-A-G. GRCh37 (hg19) VCF-style: chr5-36976153-A-G.
Other names: c.1144A>G, p.Asn382Asp (NM_015384.5); short protein forms N382D.
Identifiers: ClinVar variation 1224411 (VCV001224411.4), dbSNP rs778853918, ClinGen allele CA3235986.
Genomic context (GRCh38, chr5:36,976,051, plus strand): 5'-CTTTCTCGTGTAAGGTCTTCAGACATGGACCAGCAAGAGGATATGATTTCTGGTGTGGAA[A>G]ATAGCAATGTTTCAGAAAATGATATTCCTTTTAATGTGCAGTACCCAGGACAGACTTCAA-3'
Protein context (NP_597677.2, residues 372-392): QQEDMISGVE[Asn382Asp]SNVSENDIPF